The following is an entry in ClinVar:

ClinVar aggregate classification (germline): Uncertain significance (1 of 4 stars; one submission).

Conditions:
Parkinson disease, late-onset (PD). Also called: Susceptibility to Parkinson's Disease; Hereditary late onset Parkinson disease; PARKINSON DISEASE, LATE-ONSET, SUSCEPTIBILITY TO. Identifiers: Orphanet 411602, MedGen C3160718, MONDO:0008199, OMIM 168600.

Allele frequency attached by ClinVar (database versions not stated): gnomAD 0.00001; gnomAD exomes 0.00001; TOPMed 0.00001.
gnomAD v4.1: 11 of 760,924 alleles (0.0014%); highest among the groups gnomAD compares: Middle Eastern, 0.087%; no homozygotes.

Submission:

Illumina Laboratory Services, Illumina
Classification: Uncertain significance for Parkinson disease, late-onset. Last evaluated: 2017-04-27. Review status: criteria provided, single submitter. Criteria: ICSL Variant Classification Criteria 13 December 2019. Collection method: clinical testing. Allele origin: germline.
Comment: This variant was observed as part of a predisposition screen in an ostensibly healthy population. A literature search was performed for the gene, cDNA change, and amino acid change (where applicable). Publications were found based on this search. However, the evidence from the literature, in combination with allele frequency data from public databases where available, was not sufficient to rule this variant in or out of causing disease. Therefore, this variant is classified as a variant of unknown significance.

Literature cited by the submitters: PubMed 15079038; PubMed 24126627; PubMed 19429166.

NM_006186.4(NR4A2):c.-253C>T

Genes: NR4A2 (nuclear receptor subfamily 4 group A member 2; minus strand), LOC129934941 (ATAC-STARR-seq lymphoblastoid silent region 12016; plus strand). Cytogenetic location: 2q24.1.
Variant type: single nucleotide variant.
Coding change: c.-253C>T on transcript NM_006186.4 (MANE Select); 253 bases upstream of the start codon, C replaced by T.
Molecular consequence: 5 prime UTR variant.
Genome position (GRCh38, 1-based): chr2:156,332,606, G>A on the plus strand (C>T on the coding strand, the complement: NR4A2 is on the minus strand). VCF-style: chr2-156332606-G-A. GRCh37 (hg19) VCF-style: chr2-157189118-G-A.
Other names: c.-264C>T (NM_173173.3).
Identifiers: ClinVar variation 892775 (VCV000892775.4), dbSNP rs1242736877, ClinGen allele CA759319237.